The following is an entry in ClinVar:

NM_015338.6(ASXL1):c.2695A>G (p.Ile899Val)

Gene: ASXL1 (ASXL transcriptional regulator 1; plus strand). Cytogenetic location: 20q11.21.
Variant type: single nucleotide variant.
Coding change: c.2695A>G on transcript NM_015338.6 (MANE Select); coding-DNA position 2695, A replaced by G.
Protein change: p.Ile899Val; replaces isoleucine 899 with valine.
Molecular consequence: missense variant.
Genome position (GRCh38, 1-based): chr20:32,435,407, A>G. VCF-style: chr20-32435407-A-G. GRCh37 (hg19) VCF-style: chr20-31023210-A-G.
Other names: c.2512A>G, p.Ile838Val (NM_001363734.1); short protein forms I838V, I899V.
Identifiers: ClinVar variation 4864983 (VCV004864983.1).

ClinVar aggregate classification (germline): Uncertain significance (1 of 4 stars; one submission).

Conditions:
Inborn genetic diseases. Identifiers: MedGen C0950123, MeSH D030342.

gnomAD v4.1: 1 of 1,614,050 alleles (0.000062%); highest among the groups gnomAD compares: Admixed American, 0.0017%; no homozygotes.

Submission:

Ambry Genetics
Classification: Uncertain significance for Inborn genetic diseases. Last evaluated: 2026-06-09. Review status: criteria provided, single submitter. Criteria: Ambry Variant Classification Scheme 2023. Collection method: clinical testing. Allele origin: germline.
Comment: The p.I899V variant (also known as c.2695A>G), located in coding exon 13 of the ASXL1 gene, results from an A to G substitution at nucleotide position 2695. The isoleucine at codon 899 is replaced by valine, an amino acid with highly similar properties. This amino acid position is conserved. In addition, this alteration is predicted to be tolerated by in silico analysis. Based on the available evidence, the clinical significance of this variant remains unclear.